The following is an entry in ClinVar:

NM_001048174.2(MUTYH):c.428A>G (p.Asn143Ser)

Gene: MUTYH (mutY DNA glycosylase; minus strand). Cytogenetic location: 1p34.1.
Variant type: single nucleotide variant.
Coding change: c.428A>G on transcript NM_001048174.2 (MANE Select); coding-DNA position 428, A replaced by G.
Protein change: p.Asn143Ser; replaces asparagine 143 with serine.
Molecular consequence: missense variant. On other transcripts: non-coding transcript variant (2).
Genome position (GRCh38, 1-based): chr1:45,332,827, T>C on the plus strand (A>G on the coding strand, the complement: MUTYH is on the minus strand). VCF-style: chr1-45332827-T-C. GRCh37 (hg19) VCF-style: chr1-45798499-T-C.
Other names: c.428A>G, p.Asn143Ser (NM_001048171.2, NM_001048173.2, NM_001293195.2); c.431A>G, p.Asn144Ser (NM_001048172.2); c.512A>G, p.Asn171Ser (NM_001128425.2); c.473A>G, p.Asn158Ser (NM_001293190.2); c.461A>G, p.Asn154Ser (NM_001293191.2); c.152A>G, p.Asn51Ser (NM_001293192.2, NM_001293196.2); c.83A>G, p.Asn28Ser (NM_001350650.2, NM_001350651.2); c.503A>G, p.Asn168Ser (NM_012222.3); short protein forms N171S, N144S, N168S, N143S, N158S, N154S, N28S, N51S.
Identifiers: ClinVar variation 141144 (VCV000141144.15), dbSNP rs587781528, ClinGen allele CA013734.

ClinVar aggregate classification (germline): Conflicting classifications of pathogenicity. Review status: criteria provided, conflicting classifications (1 of 4 stars). 4 submissions from 4 submitters: Uncertain significance (3); Likely benign (1). Last evaluated 2025-09-15.

Conditions:
Hereditary cancer-predisposing syndrome. Also called: Neoplastic Syndromes, Hereditary; Hereditary Cancer Syndrome; Tumor predisposition; Hereditary neoplastic syndrome. Identifiers: Orphanet 140162, MedGen C0027672, MeSH D009386, MONDO:0015356.
Familial adenomatous polyposis 2. Also called: MUTYH-associated polyposis; MUTYH Polyposis; FAP type 2; Adenomas, multiple colorectal; COLORECTAL ADENOMATOUS POLYPOSIS, AUTOSOMAL RECESSIVE; ADENOMAS, MULTIPLE COLORECTAL, AUTOSOMAL RECESSIVE. Identifiers: Orphanet 220460, Orphanet 247798, MedGen C3272841, MONDO:0012041, OMIM 608456.

Allele frequency attached by ClinVar (database versions not stated): gnomAD exomes below 0.00001; TOPMed 0.00001.
gnomAD v4.1: 3 of 1,614,162 alleles (0.00019%); highest among the groups gnomAD compares: South Asian, 0.0011%; no homozygotes.

Submissions (4):

Ambry Genetics
Classification: Likely benign for Hereditary cancer-predisposing syndrome. Last evaluated: 2025-09-15. Review status: criteria provided, single submitter. Criteria: Ambry Variant Classification Scheme 2023. Collection method: clinical testing. Allele origin: germline.

Labcorp Genetics (formerly Invitae), Labcorp
Classification: Uncertain significance for Familial adenomatous polyposis 2. Last evaluated: 2025-07-13. Review status: criteria provided, single submitter. Criteria: Invitae Variant Classification Sherloc (09022015). Collection method: clinical testing. Allele origin: germline.
Comment: This sequence change replaces asparagine, which is neutral and polar, with serine, which is neutral and polar, at codon 171 of the MUTYH protein (p.Asn171Ser). This variant is not present in population databases (gnomAD no frequency). This variant has not been reported in the literature in individuals affected with MUTYH-related conditions. ClinVar contains an entry for this variant (Variation ID: 141144). An algorithm developed to predict the effect of missense changes on protein structure and function (PolyPhen-2) suggests that this variant is likely to be disruptive. In summary, the available evidence is currently insufficient to determine the role of this variant in disease. Therefore, it has been classified as a Variant of Uncertain Significance.

Baylor Genetics
Classification: Uncertain significance for Familial adenomatous polyposis 2. Last evaluated: 2024-01-05. Review status: criteria provided, single submitter. Criteria: ACMG Guidelines, 2015. Collection method: clinical testing. Allele origin: unknown.

All of Us Research Program, National Institutes of Health
Classification: Uncertain significance for Familial adenomatous polyposis 2. Last evaluated: 2023-10-06. Review status: criteria provided, single submitter. Criteria: ACMG Guidelines, 2015. Collection method: clinical testing. Allele origin: germline. Inheritance: Autosomal recessive inheritance. Observed: 1 variant allele, 1 heterozygote.
Comment: This missense variant replaces asparagine with serine at codon 171 of the MUTYH protein. Computational prediction is inconclusive regarding the impact of this variant on protein structure and function (internally defined REVEL score threshold 0.5 < inconclusive < 0.7, PMID: 27666373). To our knowledge, functional studies have not been reported for this variant. This variant has not been reported in individuals affected with MUTYH-related disorders in the literature. This variant has not been identified in the general population by the Genome Aggregation Database (gnomAD). The available evidence is insufficient to determine the role of this variant in disease conclusively. Therefore, this variant is classified as a Variant of Uncertain Significance.

This study involves interpretation of variants in research participants for the purpose of population health screening. Participant phenotype was not available at the time of variant classification. Additional details can be found in publication PMID: 35346344, PMCID: PMC8962531

Literature cited by the submitters: PubMed 40738107 (cited by Ambry Genetics).